The following is an entry in ClinVar:

NM_003661.4(APOL1):c.845A>G (p.Asp282Gly)

Gene: APOL1 (apolipoprotein L1; plus strand). Cytogenetic location: 22q12.3.
Variant type: single nucleotide variant.
Coding change: c.845A>G on transcript NM_003661.4 (MANE Select); coding-DNA position 845, A replaced by G.
Protein change: p.Asp282Gly; replaces aspartic acid 282 with glycine.
Molecular consequence: missense variant.
Genome position (GRCh38, 1-based): chr22:36,265,681, A>G. VCF-style: chr22-36265681-A-G. GRCh37 (hg19) VCF-style: chr22-36661727-A-G.
Other names: c.845A>G, p.Asp282Gly (NM_001136540.2); c.791A>G, p.Asp264Gly (NM_001136541.2, NM_001362927.2); c.893A>G, p.Asp298Gly (NM_145343.3); short protein forms D264G, D282G, D298G.
Identifiers: ClinVar variation 977124 (VCV000977124.3), dbSNP rs2016225115, ClinGen allele CA411367379.

ClinVar aggregate classification (germline): drug response (0 of 4 stars; one submission).

Conditions:
Corticosteroids response. Also called: Corticosteroid response.

Allele frequency attached by ClinVar (database versions not stated): gnomAD exomes below 0.00001.
gnomAD v4.1: 1 of 1,606,026 alleles (0.000062%); no homozygotes.

Submission:

Genetic Testing Lab, Ashok and Rita Patel Institute of Integrated Study and Research in Biotechnology and Allied Sciences
Classification: drug response for Corticosteroid response. Last evaluated: 2020-01-12. Review status: no assertion criteria provided. Collection method: research. Allele origin: somatic. Affected: yes. Observed: 27 variant alleles.
Comment: Depending upon patients response to standard corticosteroids therapy, they were classified to be either Steroid resistance(SRNS) or steroid sensitive(SSNS)